The following is an entry in ClinVar:

ClinVar aggregate classification (germline): Uncertain significance. Review status: criteria provided, multiple submitters, no conflicts (2 of 4 stars). 5 submissions from 5 submitters: Uncertain significance (4). 1 of the submissions does not count toward it. Last evaluated 2026-08-28.

Conditions:
TTN-related disorder. Also called: TTN-related condition; TTN-related disease; TTN-related disorders.
Cardiovascular phenotype. Identifiers: MedGen CN230736.

Allele frequency attached by ClinVar (database versions not stated): ExAC 0.00001; gnomAD exomes 0.00001 and 0.00002; gnomAD 0.00005 and 0.00006.
gnomAD v4.1: 27 of 1,612,908 alleles (0.0017%); highest among the groups gnomAD compares: African/African-American, 0.013%; no homozygotes.

Submissions (5):

PreventionGenetics, part of Exact Sciences
Classification: Uncertain significance for TTN-related condition. Last evaluated: 2026-08-28. Review status: criteria provided, single submitter. Criteria: ACMG Guidelines, 2015. Collection method: clinical testing. Allele origin: germline.
Comment: The TTN c.52891G>A variant is predicted to result in the amino acid substitution p.Val17631Ile. To our knowledge, this variant has not been reported in the literature. This variant is reported in 0.012% of alleles in individuals of African descent in gnomAD. At this time, the clinical significance of this variant is uncertain due to the absence of conclusive functional and genetic evidence.

Revvity Omics, Revvity
Classification: Uncertain significance. Last evaluated: 2022-06-28. Review status: criteria provided, single submitter. Criteria: ACMG Guidelines, 2015. Collection method: clinical testing. Allele origin: germline.

ARUP Laboratories, Molecular Genetics and Genomics, ARUP Laboratories
Classification: Uncertain significance. Last evaluated: 2018-07-24. Review status: criteria provided, single submitter. Criteria: ARUP Molecular Germline Variant Investigation Process. Collection method: clinical testing. Allele origin: germline.
Comment: The TTN c.45187G>A; p.Val15063Ile variant is rare in the general population (<1% allele frequency in the Genome Aggregation Database) and has not been reported in the medical literature in association with dilated cardiomyopathy (DCM) or other TTN-related disease. The clinical relevance of rare missense variants in this gene, which are identified on average once per individual sequenced in affected populations (Herman 2012), is not well understood. Yet, evidence suggests that the vast majority of such missense variants do not contribute to the clinical outcome of DCM (Begay 2015). Thus, the clinical significance of the p. Val15063Ile variant cannot be determined with certainty. References: Begay RL et al. Role of Titin Missense Variants in Dilated Cardiomyopathy. J Am Heart Assoc. 2015 Nov 13;4(11).

Ambry Genetics
Classification: Uncertain significance for Cardiovascular phenotype. Last evaluated: 2013-10-18. Review status: criteria provided, single submitter. Criteria: Ambry Autosomal Dominant and X-Linked criteria (10/2015). Collection method: clinical testing. Allele origin: germline. Observed: 1 variant allele.
Comment: The p.V15063I variant (also known as c.45187G>A) is located in coding exon 224 of the TTN gene. This alteration results from a G to A substitution at nucleotide position 45187. The valine at codon 15063 is replaced by isoleucine, an amino acid with highly similar properties.This variant was not reported in population-based cohorts in the following databases: Database of Single Nucleotide Polymorphisms (dbSNP), the 1000 Genomes Project and the NHLBI Exome Sequencing Project (ESP). In the ESP, this variant was not observed in 6196 samples (12392 alleles) with coverage at this position. Based on protein sequence alignment, this amino acid position is highly conserved in available vertebrate species. In addition, this alteration is predicted to be probably damaging by PolyPhen in silico analysis. Since supporting evidence is limited at this time, the clinical significance of this variant remains unclear.

GeneDx
No classification provided. Last evaluated: 2014-06-23. Review status: no classification provided. Criteria: GeneDx Variant Classification (06012015). Collection method: clinical testing. Allele origin: germline. Affected: yes. Not counted in ClinVar's aggregate classification.
Comment: Missense variants in the TTN gene are considered 'unclassified' if they are not previously reported in the literature and do not have >1% frequency in the population to be considered a polymorphism. Research indicates that truncating mutations in the TTN gene are expected to account for approximately 25% of familial and 18% of sporadic idiopathic DCM; however, truncating variants in the TTN gene have been reported in approximately 3% of reported control alleles. There has been little investigation into non-truncating variants. (Herman D et al. Truncations of titin causing dilated cardiomyopathy. N Eng J Med 366:619-628, 2012) The variant is found in CARDIOMYOPATHY panel(s).

NM_001267550.2(TTN):c.52891G>A (p.Val17631Ile)

Genes: TTN (titin; minus strand), TTN-AS1 (TTN antisense RNA 1; plus strand), LOC126806425 (BRD4-independent group 4 enhancer GRCh37_chr2:179471933-179473132; plus strand). Cytogenetic location: 2q31.2.
Variant type: single nucleotide variant.
Coding change: c.52891G>A on transcript NM_001267550.2 (MANE Select); coding-DNA position 52891, G replaced by A.
Protein change: p.Val17631Ile; replaces valine 17631 with isoleucine.
Molecular consequence: missense variant.
Genome position (GRCh38, 1-based): chr2:178,607,896, C>T on the plus strand (G>A on the coding strand, the complement: TTN is on the minus strand). VCF-style: chr2-178607896-C-T. GRCh37 (hg19) VCF-style: chr2-179472623-C-T.
Other names: p.V15990I:GTC>ATC; c.47968G>A, p.Val15990Ile (NM_001256850.1); c.25696G>A, p.Val8566Ile (NM_003319.4); c.45187G>A, p.Val15063Ile (NM_133378.4); c.26071G>A, p.Val8691Ile (NM_133432.3); c.26272G>A, p.Val8758Ile (NM_133437.4); short protein forms V15990I, V17631I, V15063I, V8566I, V8691I, V8758I.
Identifiers: ClinVar variation 202705 (VCV000202705.14), dbSNP rs749503285, ClinGen allele CA310037.